The following is an entry in ClinVar:

ClinVar aggregate classification (germline): Likely pathogenic (1 of 4 stars; one submission).

Submission:

GeneDx
Classification: Likely pathogenic. Last evaluated: 2025-02-11. Review status: criteria provided, single submitter. Criteria: GeneDx Variant Classification Process June 2021. Collection method: clinical testing. Allele origin: germline. Affected: yes.
Comment: Has not been previously published as pathogenic or benign to our knowledge; Not observed at significant frequency in large population cohorts (gnomAD); Canonical splice site variant predicted to result in a null allele in a gene for which loss of function is a known mechanism of disease

NM_022114.4(PRDM16):c.885-1G>A

Gene: PRDM16 (PR/SET domain 16; plus strand). Cytogenetic location: 1p36.32.
Variant type: single nucleotide variant.
Coding change: c.885-1G>A on transcript NM_022114.4 (MANE Select); the canonical splice acceptor site of the intron before coding-DNA position 885, G replaced by A.
Molecular consequence: splice acceptor variant.
Genome position (GRCh38, 1-based): chr1:3,404,738, G>A. VCF-style: chr1-3404738-G-A. GRCh37 (hg19) VCF-style: chr1-3321302-G-A.
Other names: c.885-1G>A (NM_199454.3).
Identifiers: ClinVar variation 4088196 (VCV004088196.1).